The following is an entry in ClinVar:

ClinVar aggregate classification (germline): Pathogenic (1 of 4 stars; one submission).

Conditions:
Biotin-responsive basal ganglia disease (BTBGD). Also called: THIAMINE METABOLISM DYSFUNCTION SYNDROME 2 (BIOTIN- AND THIAMINE-RESPONSIVE TYPE); Thiamine Transporter-2 Deficiency; Thiamine metabolism dysfunction syndrome type 2; Thiamine metabolism dysfunction syndrome 2 (biotin- or thiamine-responsive encephalopathy type 2); thiamine-responsive encephalopathy. Identifiers: Orphanet 199348, Orphanet 65284, MedGen C1843807, MONDO:0011841, OMIM 607483.

Submission:

Labcorp Genetics (formerly Invitae), Labcorp
Classification: Pathogenic for Biotin-responsive basal ganglia disease. Last evaluated: 2023-02-05. Review status: criteria provided, single submitter. Criteria: Invitae Variant Classification Sherloc (09022015). Collection method: clinical testing. Allele origin: germline.
Comment: For these reasons, this variant has been classified as Pathogenic. This variant has not been reported in the literature in individuals affected with SLC19A3-related conditions. This variant is not present in population databases (gnomAD no frequency). This sequence change creates a premature translational stop signal (p.Ala286Leufs*11) in the SLC19A3 gene. It is expected to result in an absent or disrupted protein product. Loss-of-function variants in SLC19A3 are known to be pathogenic (PMID: 23423671, 23482991).

Literature cited by the submitters: PubMed 23423671; PubMed 23482991.

NM_025243.4(SLC19A3):c.856del (p.Ala286fs)

Gene: SLC19A3 (solute carrier family 19 member 3; minus strand). Cytogenetic location: 2q36.3.
Variant type: Deletion.
Coding change: c.856del on transcript NM_025243.4 (MANE Select); coding-DNA position 856, one base deleted (G; older notation c.856delG).
Protein change: p.Ala286fs; shifts the reading frame from alanine 286.
Molecular consequence: frameshift variant.
Genome position (GRCh38, 1-based): chr2:227,698,859, C deleted on the plus strand (G on the coding strand, the reverse complement: SLC19A3 is on the minus strand); the first of 3 consecutive C bases (chr2:227,698,859-227,698,861); deleting any one gives the same sequence. VCF-style (leftmost placement, unchanged base first): chr2-227698858-GC-G. GRCh37 (hg19) VCF-style: chr2-228563574-GC-G.
Other names: c.856del, p.Ala286fs (NM_001371411.1, NM_001371412.1); c.844del, p.Ala282fs (NM_001371413.1, NM_001371414.1); short protein forms A286fs, A282fs.
Identifiers: ClinVar variation 2832768 (VCV002832768.3), dbSNP rs2470572798, ClinGen allele CA2739278489.